The following is an entry in ClinVar:

NM_000553.6(WRN):c.3233+14T>G

Gene: WRN (WRN RecQ like helicase; plus strand). Cytogenetic location: 8p12.
Variant type: single nucleotide variant.
Coding change: c.3233+14T>G on transcript NM_000553.6 (MANE Select); 14 bases into the intron after coding-DNA position 3233, T replaced by G.
Molecular consequence: intron variant.
Genome position (GRCh38, 1-based): chr8:31,141,789, T>G. VCF-style: chr8-31141789-T-G. GRCh37 (hg19) VCF-style: chr8-30999305-T-G.
Identifiers: ClinVar variation 2151045 (VCV002151045.4), dbSNP rs2536031459, ClinGen allele CA2580078153.
Genomic context (GRCh38, chr8:31,141,789, plus strand): 5'-CTTCAAGCTAATGAAGAATTGTGTCCAAAGAAGTTGCTTCTGCCTAGGTTCATTTTTCAG[T>G]TTTTTTCTTGTAACTTCTGCATTTTTTGTTGCTATTTATGTGATTCAAATTATACCAGTT-3'

ClinVar aggregate classification (germline): Uncertain significance (1 of 4 stars; one submission).

Conditions:
Werner syndrome (WRN). Identifiers: Orphanet 902, MedGen C0043119, MONDO:0010196, OMIM 277700.

Submission:

Labcorp Genetics (formerly Invitae), Labcorp
Classification: Uncertain significance for Werner syndrome. Last evaluated: 2022-09-20. Review status: criteria provided, single submitter. Criteria: Invitae Variant Classification Sherloc (09022015). Collection method: clinical testing. Allele origin: germline.
Comment: In summary, the available evidence is currently insufficient to determine the role of this variant in disease. Therefore, it has been classified as a Variant of Uncertain Significance. Algorithms developed to predict the effect of sequence changes on RNA splicing suggest that this variant may disrupt the consensus splice site. This variant has not been reported in the literature in individuals affected with WRN-related conditions. This variant is not present in population databases (gnomAD no frequency). This sequence change falls in intron 26 of the WRN gene. It does not directly change the encoded amino acid sequence of the WRN protein.